The following is an entry in ClinVar:

NM_000416.3(IFNGR1):c.672G>A (p.Trp224Ter)

Gene: IFNGR1 (interferon gamma receptor 1; minus strand). Cytogenetic location: 6q23.3.
Variant type: single nucleotide variant.
Coding change: c.672G>A on transcript NM_000416.3 (MANE Select); coding-DNA position 672, G replaced by A.
Protein change: p.Trp224Ter; replaces tryptophan 224 with a stop codon.
Molecular consequence: nonsense.
Genome position (GRCh38, 1-based): chr6:137,203,560, C>T on the plus strand (G>A on the coding strand, the complement: IFNGR1 is on the minus strand). VCF-style: chr6-137203560-C-T. GRCh37 (hg19) VCF-style: chr6-137524697-C-T.
Other names: c.642G>A, p.Trp214Ter (NM_001363526.1); c.549G>A, p.Trp183Ter (NM_001363527.1); short protein forms W183*, W224*, W214*.
Identifiers: ClinVar variation 2734959 (VCV002734959.3), dbSNP rs1160070099, ClinGen allele CA365774748.

ClinVar aggregate classification (germline): Pathogenic (1 of 4 stars; one submission).

Conditions:
Disseminated atypical mycobacterial infection. Identifiers: MedGen C0694566.

Allele frequency attached by ClinVar (database versions not stated): gnomAD exomes below 0.00001; TOPMed below 0.00001; gnomAD 0.00001.
gnomAD v4.1: 2 of 1,613,356 alleles (0.00012%); highest among the groups gnomAD compares: Non-Finnish European, 0.00017%; no homozygotes.

Submission:

Labcorp Genetics (formerly Invitae), Labcorp
Classification: Pathogenic for Disseminated atypical mycobacterial infection. Last evaluated: 2023-10-28. Review status: criteria provided, single submitter. Criteria: Invitae Variant Classification Sherloc (09022015). Collection method: clinical testing. Allele origin: germline.
Comment: This sequence change creates a premature translational stop signal (p.Trp224*) in the IFNGR1 gene. It is expected to result in an absent or disrupted protein product. Loss-of-function variants in IFNGR1 are known to be pathogenic (PMID: 8960473, 9806040). This variant is present in population databases (no rsID available, gnomAD 0.0009%). This premature translational stop signal has been observed in individual(s) with early life mycobacterial bronchial disease (PMID: 27868075). For these reasons, this variant has been classified as Pathogenic.

Literature cited by the submitters: PubMed 8960473; PubMed 9806040; PubMed 27868075.